The following is an entry in ClinVar:

NM_006267.5(RANBP2):c.1699A>G (p.Lys567Glu)

Gene: RANBP2 (RAN binding protein 2; plus strand). Cytogenetic location: 2q13.
Variant type: single nucleotide variant.
Coding change: c.1699A>G on transcript NM_006267.5 (MANE Select); coding-DNA position 1699, A replaced by G.
Protein change: p.Lys567Glu; replaces lysine 567 with glutamic acid.
Molecular consequence: missense variant.
Genome position (GRCh38, 1-based): chr2:108,751,938, A>G. VCF-style: chr2-108751938-A-G. GRCh37 (hg19) VCF-style: chr2-109368394-A-G.
Other names: c.1699A>G, p.Lys567Glu (NM_001415871.1, NM_001415873.1); c.1696A>G, p.Lys566Glu (NM_001415872.1); short protein forms K566E, K567E.
Identifiers: ClinVar variation 2981362 (VCV002981362.3), dbSNP rs2467508303, ClinGen allele CA348050250.

ClinVar aggregate classification (germline): Uncertain significance (1 of 4 stars; one submission).

Conditions:
Familial acute necrotizing encephalopathy (IIAE3). Also called: ENCEPHALOPATHY, ACUTE, INFECTION-INDUCED, SUSCEPTIBILITY TO, 3; Susceptibility to Acute Necrotizing Encephalopathy 1. Identifiers: Orphanet 88619, MedGen C2675556, MONDO:0011953, OMIM 608033.

gnomAD v4.1: 1 of 1,612,016 alleles (0.000062%); highest among the groups gnomAD compares: Non-Finnish European, 0.000085%; no homozygotes.

Submission:

Labcorp Genetics (formerly Invitae), Labcorp
Classification: Uncertain significance for Familial acute necrotizing encephalopathy. Last evaluated: 2023-10-16. Review status: criteria provided, single submitter. Criteria: Invitae Variant Classification Sherloc (09022015). Collection method: clinical testing. Allele origin: germline.
Comment: This sequence change replaces lysine, which is basic and polar, with glutamic acid, which is acidic and polar, at codon 567 of the RANBP2 protein (p.Lys567Glu). This variant is not present in population databases (gnomAD no frequency). This variant has not been reported in the literature in individuals affected with RANBP2-related conditions. An algorithm developed to predict the effect of missense changes on protein structure and function (PolyPhen-2) suggests that this variant is likely to be tolerated. In summary, the available evidence is currently insufficient to determine the role of this variant in disease. Therefore, it has been classified as a Variant of Uncertain Significance.